The following is an entry in ClinVar:

ClinVar aggregate classification (germline): Conflicting classifications of pathogenicity. Review status: criteria provided, conflicting classifications (1 of 4 stars). 8 submissions from 8 submitters: Uncertain significance (1); Likely benign (6). 1 of the submissions does not count toward it. Last evaluated 2026-02-03.

Conditions:
POLG-related disorder. Also called: POLG-Related Spectrum Disorders; POLG-related condition; POLG-Related Disorders. Identifiers: MedGen C4763519.
Progressive sclerosing poliodystrophy (MTDPS4A). Also called: ALPERS DIFFUSE DEGENERATION OF CEREBRAL GRAY MATTER WITH HEPATIC CIRRHOSIS; Alpers Syndrome; Mitochondrial DNA Depletion Syndrome 4A; ALPERS PROGRESSIVE INFANTILE POLIODYSTROPHY; NEURONAL DEGENERATION OF CHILDHOOD WITH LIVER DISEASE, PROGRESSIVE; Mitochondrial DNA depletion syndrome 4A (Alpers type). Identifiers: Orphanet 726, MedGen C0205710, MONDO:0008758, OMIM 203700.
Inborn genetic diseases. Identifiers: MedGen C0950123, MeSH D030342.

Allele frequency attached by ClinVar (database versions not stated): ExAC 0.00002; gnomAD exomes 0.00002; gnomAD 0.00021 and 0.00024; TOPMed 0.00021.

Submissions (8):

Labcorp Genetics (formerly Invitae), Labcorp
Classification: Likely benign for Progressive sclerosing poliodystrophy. Last evaluated: 2026-02-03. Review status: criteria provided, single submitter. Criteria: Invitae Variant Classification Sherloc (09022015). Collection method: clinical testing. Allele origin: germline.

Mayo Clinic Laboratories, Mayo Clinic
Classification: Likely benign. Last evaluated: 2024-11-05. Review status: criteria provided, single submitter. Criteria: ACMG Guidelines, 2015. Collection method: clinical testing. Allele origin: germline. Observed: 3 variant alleles.
Comment: BP4, BP7

Blueprint Genetics
Classification: Likely benign. Last evaluated: 2023-06-20. Review status: criteria provided, single submitter. Criteria: ACMG Guidelines, 2015. Collection method: clinical testing. Allele origin: germline.

GeneDx
Classification: Likely benign. Last evaluated: 2020-08-28. Review status: criteria provided, single submitter. Criteria: GeneDx Variant Classification Process June 2021. Collection method: clinical testing. Allele origin: germline. Affected: yes.

Wong Mito Lab, Molecular and Human Genetics, Baylor College of Medicine
Classification: Likely benign for Progressive sclerosing poliodystrophy. Last evaluated: 2018-10-01. Review status: criteria provided, single submitter. Criteria: ACMG Guidelines, 2015. Collection method: clinical testing. Allele origin: germline.
Comment: The NM_002693.2:c.2149C>T (NP_002684.1:p.Leu717=) [GRCH38: NC_000015.10:g.89323823G>A] variant in POLG gene is interpretated to be a Likely Benign based on ACMG guidelines (PMID: 25741868). This variant meets the following evidence codes reported in the ACMG-guideline. BP4:Computational evidence/predictors indicate no impact on the POLG structure, function, or protein-protein interaction. BP7:The variant is silent with non predicted splice impact. Based on the evidence criteria codes applied, the variant is suggested to be Likely Benign.

Ambry Genetics
Classification: Likely benign for Inborn genetic diseases. Last evaluated: 2018-05-23. Review status: criteria provided, single submitter. Criteria: Ambry Variant Classification Scheme 2023. Collection method: clinical testing. Allele origin: germline.

Eurofins Ntd Llc (ga)
Classification: Uncertain significance. Last evaluated: 2017-12-26. Review status: criteria provided, single submitter. Criteria: EGL Classification Definitions 2015. Collection method: clinical testing. Allele origin: germline. Observed: 1 variant allele, 1 heterozygote.

PreventionGenetics, part of Exact Sciences
Classification: Likely benign for POLG-related condition. Last evaluated: 2021-06-02. Review status: no assertion criteria provided. Collection method: clinical testing. Allele origin: germline. Not counted in ClinVar's aggregate classification.
Comment: This variant is classified as likely benign based on ACMG/AMP sequence variant interpretation guidelines (Richards et al. 2015 PMID: 25741868, with internal and published modifications).

NM_002693.3(POLG):c.2149C>T (p.Leu717=)

Gene: POLG (DNA polymerase gamma, catalytic subunit; minus strand). Cytogenetic location: 15q26.1.
Variant type: single nucleotide variant.
Coding change: c.2149C>T on transcript NM_002693.3 (MANE Select); coding-DNA position 2149, C replaced by T.
Protein change: p.Leu717=; no amino-acid change (leucine 717 retained).
Molecular consequence: synonymous variant.
Genome position (GRCh38, 1-based): chr15:89,323,823, G>A on the plus strand (C>T on the coding strand, the complement: POLG is on the minus strand). VCF-style: chr15-89323823-G-A. GRCh37 (hg19) VCF-style: chr15-89867054-G-A.
Other names: p.Leu717=; c.2149C>T, p.Leu717= (NM_001126131.2).
Identifiers: ClinVar variation 378413 (VCV000378413.23), dbSNP rs779515404, ClinGen allele CA7724582.